The following is an entry in ClinVar:

NM_003247.5(THBS2):c.2007C>T (p.Gly669=)

Genes: THBS2 (thrombospondin 2; minus strand), THBS2-AS1 (THBS2 antisense RNA 1; plus strand). Cytogenetic location: 6q27.
Variant type: single nucleotide variant.
Coding change: c.2007C>T on transcript NM_003247.5 (MANE Select); coding-DNA position 2007, C replaced by T.
Protein change: p.Gly669=; no amino-acid change (glycine 669 retained).
Molecular consequence: synonymous variant. On other transcripts: non-coding transcript variant (2).
Genome position (GRCh38, 1-based): chr6:169,232,124, G>A on the plus strand (C>T on the coding strand, the complement: THBS2 is on the minus strand). VCF-style: chr6-169232124-G-A. GRCh37 (hg19) VCF-style: chr6-169632219-G-A.
Other names: c.1833C>T, p.Gly611= (NM_001381939.1); c.2007C>T, p.Gly669= (NM_001381940.1); c.1776C>T, p.Gly592= (NM_001381942.1).
Identifiers: ClinVar variation 3059911 (VCV003059911.2), dbSNP rs35935937, ClinGen allele CA4103124.

ClinVar aggregate classification (germline): Benign (0 of 4 stars; one submission).

Conditions:
THBS2-related disorder. Also called: THBS2-related condition.

Allele frequency attached by ClinVar (database versions not stated): ESP Exome Variant Server 0.14493; gnomAD 0.15895; TOPMed 0.15938; ExAC 0.18139; 1000 Genomes Project 30x 0.18535; 1000 Genomes Project 0.19169.

Submission:

PreventionGenetics, part of Exact Sciences
Classification: Benign for THBS2-related condition. Last evaluated: 2019-10-21. Review status: no assertion criteria provided. Collection method: clinical testing. Allele origin: germline.
Comment: This variant is classified as benign based on ACMG/AMP sequence variant interpretation guidelines (Richards et al. 2015 PMID: 25741868, with internal and published modifications).